The following is an entry in ClinVar:

ClinVar aggregate classification (germline): Uncertain significance (1 of 4 stars; one submission).

gnomAD v4.1: 7 of 1,549,284 alleles (0.00045%); highest among the groups gnomAD compares: Non-Finnish European, 0.00061%; no homozygotes.

Submission:

Labcorp Genetics (formerly Invitae), Labcorp
Classification: Uncertain significance. Last evaluated: 2024-10-21. Review status: criteria provided, single submitter. Criteria: Invitae Variant Classification Sherloc (09022015). Collection method: clinical testing. Allele origin: germline.
Comment: This sequence change replaces glutamine, which is neutral and polar, with glutamic acid, which is acidic and polar, at codon 134 of the TCIRG1 protein (p.Gln134Glu). This variant is not present in population databases (gnomAD no frequency). This variant has not been reported in the literature in individuals affected with TCIRG1-related conditions. Invitae Evidence Modeling of protein sequence and biophysical properties (such as structural, functional, and spatial information, amino acid conservation, physicochemical variation, residue mobility, and thermodynamic stability) indicates that this missense variant is not expected to disrupt TCIRG1 protein function with a negative predictive value of 80%. In summary, the available evidence is currently insufficient to determine the role of this variant in disease. Therefore, it has been classified as a Variant of Uncertain Significance.

NM_006019.4(TCIRG1):c.400C>G (p.Gln134Glu)

Gene: TCIRG1 (T cell immune regulator 1, ATPase H+ transporting V0 subunit a3; plus strand). Cytogenetic location: 11q13.2.
Variant type: single nucleotide variant.
Coding change: c.400C>G on transcript NM_006019.4 (MANE Select); coding-DNA position 400, C replaced by G.
Protein change: p.Gln134Glu; replaces glutamine 134 with glutamic acid.
Molecular consequence: missense variant. On other transcripts: 5 prime UTR variant (1).
Genome position (GRCh38, 1-based): chr11:68,042,846, C>G. VCF-style: chr11-68042846-C-G. GRCh37 (hg19) VCF-style: chr11-67810313-C-G.
Other names: c.-850C>G (NM_001351059.2); short protein forms Q134E.
Identifiers: ClinVar variation 3718222 (VCV003718222.1).